The following is an entry in ClinVar:

NM_007294.4(BRCA1):c.5498T>A (p.Val1833Glu)

Gene: BRCA1 (BRCA1 DNA repair associated; minus strand). Cytogenetic location: 17q21.31.
Variant type: single nucleotide variant.
Coding change: c.5498T>A on transcript NM_007294.4 (MANE Select); coding-DNA position 5498, T replaced by A.
Protein change: p.Val1833Glu; replaces valine 1833 with glutamic acid.
Molecular consequence: missense variant. On other transcripts: 3 prime UTR variant (1), non-coding transcript variant (1).
Genome position (GRCh38, 1-based): chr17:43,045,772, A>T on the plus strand (T>A on the coding strand, the complement: BRCA1 is on the minus strand). VCF-style: chr17-43045772-A-T. GRCh37 (hg19) VCF-style: chr17-41197789-A-T.
Other names: c.5495T>A, p.Val1832Glu (NM_001407611.1, NM_001407612.1, NM_001407613.1 and 14 more transcripts); c.5492T>A, p.Val1831Glu (NM_001407630.1, NM_001407631.1, NM_001407632.1 and 13 more transcripts); c.5420T>A, p.Val1807Glu (NM_001407652.1, NM_001407653.1, NM_001407654.1 and 1 more transcripts); c.5417T>A, p.Val1806Glu (NM_001407656.1, NM_001407657.1, NM_001407658.1); c.5414T>A, p.Val1805Glu (NM_001407659.1, NM_001407660.1, NM_001407661.1 and 2 more transcripts); c.5366T>A, p.Val1789Glu (NM_001407690.1, NM_001407691.1); c.5357T>A, p.Val1786Glu (NM_001407692.1, NM_001407694.1, NM_001407695.1 and 12 more transcripts); c.5354T>A, p.Val1785Glu (NM_001407735.1, NM_001407736.1, NM_001407737.1 and 18 more transcripts); and 74 more; short protein forms V1854E, V1786E, V1833E, V729E, V1722E, V1763E, V1764E, V1784E.
Identifiers: ClinVar variation 868596 (VCV000868596.3), dbSNP rs587782340, ClinGen allele CA10590312.

Conditions:
Breast-ovarian cancer, familial, susceptibility to, 1 (BROVCA1). Also called: BRCA1 Hereditary Breast and Ovarian Cancer; OVARIAN CANCER, SUSCEPTIBILITY TO. Identifiers: Orphanet 145, MedGen C2676676, MONDO:0011450, OMIM 604370. Disease mechanism: loss of function.

Submission:

Brotman Baty Institute, University of Washington
No classification provided (evidence only). Condition: Breast-ovarian cancer, familial 1. Review status: no classification provided. Collection method: in vitro. Allele origin: not applicable. Functional consequence: functionally_abnormal.
ClinVar note: "not provided" was previously submitted as the classification for the variant. However, the classification appeared to be based only on an observation of functional data so it was converted to no classification on 2025-07-30.